The following is an entry in ClinVar:

NM_000138.5(FBN1):c.3745T>G (p.Cys1249Gly)

Gene: FBN1 (fibrillin 1; minus strand). Cytogenetic location: 15q21.1.
Variant type: single nucleotide variant.
Coding change: c.3745T>G on transcript NM_000138.5 (MANE Select); coding-DNA position 3745, T replaced by G.
Protein change: p.Cys1249Gly; replaces cysteine 1249 with glycine.
Molecular consequence: missense variant.
Genome position (GRCh38, 1-based): chr15:48,483,911, A>C on the plus strand (T>G on the coding strand, the complement: FBN1 is on the minus strand). VCF-style: chr15-48483911-A-C. GRCh37 (hg19) VCF-style: chr15-48776108-A-C.
Other names: c.3745T>G, p.Cys1249Gly (NM_001406716.1); short protein forms C1249G.
Identifiers: ClinVar variation 2952527 (VCV002952527.3), dbSNP rs2505541083, ClinGen allele CA392324057.
Genomic context (GRCh38, chr15:48,483,911, plus strand): 5'-ATCCATCATAACACAAGCACCTGTACTCTCCAGGGATATTTGTGCACTGACCACCATCAC[A>C]GATATTGGGATTATCTTCACACTCATCGATGTCTGCAAAGAATAAAACCAACAACCACAG-3'
Protein context (NP_000129.3, residues 1239-1259): IDECEDNPNI[Cys1249Gly]DGGQCTNIPG

ClinVar aggregate classification (germline): Pathogenic (1 of 4 stars; one submission).

Conditions:
Marfan syndrome (MFS). Also called: MARFAN SYNDROME, TYPE I; Marfan syndrome type 1; Marfan's syndrome; Marfan syndrome, classic; FBN1-Related Marfan Syndrome. Identifiers: Orphanet 284963, Orphanet 558, MedGen C0024796, MONDO:0007947, OMIM 154700.
Familial thoracic aortic aneurysm and aortic dissection (TAAD). Also called: Thoracic aortic aneurysms and dissections. Identifiers: Orphanet 91387, MedGen C4707243, MONDO:0019625.

Submission:

Labcorp Genetics (formerly Invitae), Labcorp
Classification: Pathogenic for Marfan syndrome; Familial thoracic aortic aneurysm and aortic dissection. Last evaluated: 2023-10-05. Review status: criteria provided, single submitter. Criteria: Invitae Variant Classification Sherloc (09022015). Collection method: clinical testing. Allele origin: germline.
Comment: This sequence change replaces cysteine, which is neutral and slightly polar, with glycine, which is neutral and non-polar, at codon 1249 of the FBN1 protein (p.Cys1249Gly). This variant is not present in population databases (gnomAD no frequency). This missense change has been observed in individual(s) with Marfan syndrome (Invitae). Advanced modeling of protein sequence and biophysical properties (such as structural, functional, and spatial information, amino acid conservation, physicochemical variation, residue mobility, and thermodynamic stability) performed at Invitae indicates that this missense variant is expected to disrupt FBN1 protein function. This variant affects a cysteine residue in the EGF-like, TGFBP or hybrid motif domains of FBN1. Cysteine residues are believed to be involved in intramolecular disulfide bridges and have been shown to be important for FBN1 protein structure (PMID: 16905551, 19349279). In addition, missense substitutions affecting cysteine residues within these domains are significantly overrepresented among patients with Marfan syndrome (PMID: 16571647, 17701892). This variant disrupts the p.Cys1249 amino acid residue in FBN1. Other variant(s) that disrupt this residue have been observed in individuals with FBN1-related conditions (PMID: 17657824; Invitae), which suggests that this may be a clinically significant amino acid residue. For these reasons, this variant has been classified as Pathogenic.

Literature cited by the submitters: PubMed 16905551; PubMed 19349279; PubMed 16571647; PubMed 17701892; PubMed 17657824.